The following is an entry in ClinVar:

NM_000179.3(MSH6):c.3600dup (p.Leu1201fs)

Gene: MSH6 (mutS homolog 6; plus strand). Cytogenetic location: 2p16.3.
Variant type: Duplication.
Coding change: c.3600dup on transcript NM_000179.3 (MANE Select); coding-DNA position 3600, one base duplicated (A; older notation c.3600dupA).
Protein change: p.Leu1201fs; shifts the reading frame from leucine 1201.
Molecular consequence: frameshift variant.
Genome position (GRCh38, 1-based): chr2:47,805,661, A duplicated. VCF-style (leftmost placement, unchanged base first): chr2-47805660-T-TA. GRCh37 (hg19) VCF-style: chr2-48032799-T-TA.
Other names: c.3210dup, p.Leu1071fs (NM_001281492.2); c.2694dup, p.Leu899fs (NM_001281493.2, NM_001281494.2); short protein forms L1071fs, L1201fs, L899fs.
Identifiers: ClinVar variation 1076961 (VCV001076961.7), dbSNP rs2104524165, ClinGen allele CA2499216141.

ClinVar aggregate classification (germline): Pathogenic (1 of 4 stars; one submission).

Conditions:
Hereditary nonpolyposis colorectal neoplasms. Identifiers: MedGen C0009405, MeSH D003123.

Submission:

Labcorp Genetics (formerly Invitae), Labcorp
Classification: Pathogenic for Hereditary nonpolyposis colorectal neoplasms. Last evaluated: 2020-05-05. Review status: criteria provided, single submitter. Criteria: Invitae Variant Classification Sherloc (09022015). Collection method: clinical testing. Allele origin: germline.
Comment: This sequence change creates a premature translational stop signal (p.Leu1201Thrfs*14) in the MSH6 gene. It is expected to result in an absent or disrupted protein product. This variant is not present in population databases (ExAC no frequency). This variant has not been reported in the literature in individuals with MSH6-related conditions. Loss-of-function variants in MSH6 are known to be pathogenic (PMID: 18269114, 24362816). For these reasons, this variant has been classified as Pathogenic.

Literature cited by the submitters: PubMed 18269114; PubMed 24362816.